The following is an entry in ClinVar:

ClinVar aggregate classification (germline): Conflicting classifications of pathogenicity. Review status: criteria provided, conflicting classifications (1 of 4 stars). 4 submissions from 4 submitters: Uncertain significance (3); Likely benign (1). Last evaluated 2026-01-26.

Conditions:
Inborn genetic diseases. Identifiers: MedGen C0950123, MeSH D030342.
CHD8-related disorder. Also called: CHD8-related condition; CHD8-related disorders.

Allele frequency attached by ClinVar (database versions not stated): TOPMed 0.00009; gnomAD 0.00003 and 0.00004.
gnomAD v4.1: 26 of 1,612,290 alleles (0.0016%); highest among the groups gnomAD compares: Admixed American, 0.0067%; no homozygotes.

Submissions (4):

Labcorp Genetics (formerly Invitae), Labcorp
Classification: Likely benign. Last evaluated: 2026-01-26. Review status: criteria provided, single submitter. Criteria: Invitae Variant Classification Sherloc (09022015). Collection method: clinical testing. Allele origin: germline.

PreventionGenetics, part of Exact Sciences
Classification: Uncertain significance for CHD8-related condition. Last evaluated: 2025-08-07. Review status: criteria provided, single submitter. Criteria: ACMG Guidelines, 2015. Collection method: clinical testing. Allele origin: germline.
Comment: The CHD8 c.4343G>A variant is predicted to result in the amino acid substitution p.Arg1448Gln. To our knowledge, this variant has not been reported in the literature. This variant is reported in 0.0029% of alleles in individuals of Latino descent in gnomAD. At this time, the clinical significance of this variant is uncertain due to the absence of conclusive functional and genetic evidence.

Ambry Genetics
Classification: Uncertain significance for Inborn genetic diseases. Last evaluated: 2024-03-20. Review status: criteria provided, single submitter. Criteria: Ambry Variant Classification Scheme 2023. Collection method: clinical testing. Allele origin: germline.

New York Genome Center
Classification: Uncertain significance. Last evaluated: 2020-07-27. Review status: criteria provided, single submitter. Criteria: NYGC Assertion Criteria 2020. Collection method: clinical testing. Allele origin: inherited. Observed: 1 heterozygote. Study: CSER-NYCKidSeq.

NM_001170629.2(CHD8):c.4343G>A (p.Arg1448Gln)

Gene: CHD8 (chromodomain helicase DNA binding protein 8; minus strand). Cytogenetic location: 14q11.2.
Variant type: single nucleotide variant.
Coding change: c.4343G>A on transcript NM_001170629.2 (MANE Select); coding-DNA position 4343, G replaced by A.
Protein change: p.Arg1448Gln; replaces arginine 1448 with glutamine.
Molecular consequence: missense variant.
Genome position (GRCh38, 1-based): chr14:21,400,902, C>T on the plus strand (G>A on the coding strand, the complement: CHD8 is on the minus strand). VCF-style: chr14-21400902-C-T. GRCh37 (hg19) VCF-style: chr14-21869061-C-T.
Other names: c.3506G>A, p.Arg1169Gln (NM_020920.4); short protein forms R1169Q, R1448Q.
Identifiers: ClinVar variation 1098599 (VCV001098599.5), dbSNP rs915195873, ClinGen allele CA257601009.